The following is an entry in ClinVar:

NM_000634.3(CXCR1):c.827G>C (p.Ser276Thr)

Gene: CXCR1 (C-X-C motif chemokine receptor 1; minus strand). Cytogenetic location: 2q35.
Variant type: single nucleotide variant.
Coding change: c.827G>C on transcript NM_000634.3 (MANE Select); coding-DNA position 827, G replaced by C.
Protein change: p.Ser276Thr; replaces serine 276 with threonine.
Molecular consequence: missense variant.
Genome position (GRCh38, 1-based): chr2:218,164,385, C>G on the plus strand (G>C on the coding strand, the complement: CXCR1 is on the minus strand). VCF-style: chr2-218164385-C-G. GRCh37 (hg19) VCF-style: chr2-219029108-C-G.
Other names: c.827G>C (NM_000634.2); short protein forms S276T.
Identifiers: ClinVar variation 2571396 (VCV002571396.4), dbSNP rs2234671, ClinGen allele CA2101933.
Genomic context (GRCh38, chr2:218,164,385, plus strand): 5'-AGAAATCCCAGAATCTCAGTGGCATCCAGGGCCCGGCCGATGTTGTTGCGGCGCTCACAG[C>G]TCTCCTGGATCACCTGGGTCCTCATGAGGGTGTCTGCCAGCAGGACCAGGTTGTAGGGCA-3'
Protein context (NP_000625.1, residues 266-286): TLMRTQVIQE[Ser276Thr]CERRNNIGRA

ClinVar aggregate classification (germline): Benign; other. Review status: no assertion criteria provided (0 of 4 stars). 2 submissions from 2 submitters: Benign (1). Last evaluated 2022-12-10.

Conditions:
CXCR1-related disorder. Also called: CXCR1-related condition.
Cholangiocarcinoma. Identifiers: Orphanet 70567, MedGen C0206698, MeSH D018281, MONDO:0019087, HP:0030153.

Allele frequency attached by ClinVar (database versions not stated): ExAC 0.09146; ESP Exome Variant Server 0.10149; gnomAD 0.10743; TOPMed 0.11384; 1000 Genomes Project 0.14417; 1000 Genomes Project 30x 0.14741.
gnomAD v4.1: 116,011 of 1,613,424 alleles (7.2%); highest among the groups gnomAD compares: African/African-American, 21%; 5,617 homozygotes.

Submissions (2):

Department of Surgery, Campus Charité Mitte | Campus Virchow-klinikum, Charite-Universitaetsmedizin Berlin
Classification: other for Cholangiocarcinoma. Last evaluated: 2022-12-10. Review status: no assertion criteria provided. Collection method: research. Allele origin: germline. Affected: yes.
Comment: No association with disease-free or overall survival after resection of intrahepatic Cholangiocarcinoma

PreventionGenetics, part of Exact Sciences
Classification: Benign for CXCR1-related condition. Last evaluated: 2019-12-09. Review status: no assertion criteria provided. Collection method: clinical testing. Allele origin: germline.
Comment: This variant is classified as benign based on ACMG/AMP sequence variant interpretation guidelines (Richards et al. 2015 PMID: 25741868, with internal and published modifications).

Literature cited by the submitters: PubMed 18550579 (cited by Department of Surgery, Campus Charité Mitte | Campus Virchow-klinikum, Charite-Universitaetsmedizin Berlin).